The following is an entry in ClinVar:

NM_004329.3(BMPR1A):c.*1342G>C

Gene: BMPR1A (bone morphogenetic protein receptor type 1A; plus strand). Cytogenetic location: 10q23.2.
Variant type: single nucleotide variant.
Coding change: c.*1342G>C on transcript NM_004329.3 (MANE Select); 1342 bases downstream of the stop codon, G replaced by C.
Molecular consequence: 3 prime UTR variant.
Genome position (GRCh38, 1-based): chr10:86,925,061, G>C. VCF-style: chr10-86925061-G-C. GRCh37 (hg19) VCF-style: chr10-88684818-G-C.
Identifiers: ClinVar variation 301369 (VCV000301369.5), dbSNP rs189436139, ClinGen allele CA10636343.

ClinVar aggregate classification (germline): Benign (1 of 4 stars; one submission).

Conditions:
Generalized juvenile polyposis/juvenile polyposis coli. Also called: Juvenile polyposis coli. Identifiers: Orphanet 329971, MedGen C1868081, MONDO:0008276.

Allele frequency attached by ClinVar (database versions not stated): gnomAD exomes 0.00026; 1000 Genomes Project 30x 0.00047; 1000 Genomes Project 0.00060; gnomAD 0.00146 and 0.00167; TOPMed 0.00179.
gnomAD v4.1: 247 of 232,036 alleles (0.11%); highest among the groups gnomAD compares: African/African-American, 0.5%; no homozygotes.

Submission:

Illumina Laboratory Services, Illumina
Classification: Benign for Juvenile polyposis syndrome. Last evaluated: 2018-01-13. Review status: criteria provided, single submitter. Criteria: ICSL Variant Classification Criteria 13 December 2019. Collection method: clinical testing. Allele origin: germline.
Comment: This variant was observed in the ICSL laboratory as part of a predisposition screen in an ostensibly healthy population. It had not been previously curated by ICSL or reported in the Human Gene Mutation Database (HGMD: prior to June 1st, 2018), and was therefore a candidate for classification through an automated scoring system. Utilizing variant allele frequency, disease prevalence and penetrance estimates, and inheritance mode, an automated score was calculated to assess if this variant is too frequent to cause the disease. Based on the score and internal cut-off values, a variant classified as benign is not then subjected to further curation. The score for this variant resulted in a classification of benign for this disease.